The following is an entry in ClinVar:

NM_001927.4(DES):c.323A>G (p.Glu108Gly)

Gene: DES (desmin; plus strand). Cytogenetic location: 2q35.
Variant type: single nucleotide variant.
Coding change: c.323A>G on transcript NM_001927.4 (MANE Select); coding-DNA position 323, A replaced by G.
Protein change: p.Glu108Gly; replaces glutamic acid 108 with glycine.
Molecular consequence: missense variant.
Genome position (GRCh38, 1-based): chr2:219,418,785, A>G. VCF-style: chr2-219418785-A-G. GRCh37 (hg19) VCF-style: chr2-220283507-A-G.
Other names: c.323A>G, p.Glu108Gly (NM_001382708.1, NM_001382709.1, NM_001382710.1 and 3 more transcripts); c.323A>G (NM_001927.3); short protein forms E108G.
Identifiers: ClinVar variation 1009996 (VCV001009996.10), dbSNP rs1954371679, ClinGen allele CA350685218.

ClinVar aggregate classification (germline): Uncertain significance. Review status: criteria provided, multiple submitters, no conflicts (2 of 4 stars). 2 submissions from 2 submitters: Uncertain significance (2). Last evaluated 2023-10-13.

Conditions:
Desmin-related myofibrillar myopathy (MFM1). Also called: Desminopathy; Desmin related myopathy (former name); Desmin storage myopathy (former name); MYOFIBRILLAR MYOPATHY WITH ARRHYTHMOGENIC RIGHT VENTRICULAR CARDIOMYOPATHY; DESMIN-RELATED MYOPATHY WITH ARRHYTHMOGENIC RIGHT VENTRICULAR CARDIOMYOPATHY; Myofibrillar myopathy 1. Identifiers: Orphanet 363543, Orphanet 98909, MedGen C1832370, MONDO:0011076, OMIM 601419.
Cardiovascular phenotype. Identifiers: MedGen CN230736.

Submissions (2):

Ambry Genetics
Classification: Uncertain significance for Cardiovascular phenotype. Last evaluated: 2023-10-13. Review status: criteria provided, single submitter. Criteria: Ambry Variant Classification Scheme 2023. Collection method: clinical testing. Allele origin: germline.
Comment: The p.E108G variant (also known as c.323A>G), located in coding exon 1 of the DES gene, results from an A to G substitution at nucleotide position 323. The glutamic acid at codon 108 is replaced by glycine, an amino acid with similar properties. This amino acid position is conserved. In addition, this alteration is predicted to be deleterious by in silico analysis. Since supporting evidence is limited at this time, the clinical significance of this alteration remains unclear.

Labcorp Genetics (formerly Invitae), Labcorp
Classification: Uncertain significance for Desmin-related myofibrillar myopathy. Last evaluated: 2020-08-14. Review status: criteria provided, single submitter. Criteria: Invitae Variant Classification Sherloc (09022015). Collection method: clinical testing. Allele origin: germline.
Comment: In summary, the available evidence is currently insufficient to determine the role of this variant in disease. Therefore, it has been classified as a Variant of Uncertain Significance. Algorithms developed to predict the effect of missense changes on protein structure and function are either unavailable or do not agree on the potential impact of this missense change (SIFT: "Deleterious"; PolyPhen-2: "Probably Damaging"; Align-GVGD: "Class C0"). This variant has not been reported in the literature in individuals with DES-related conditions. This variant is not present in population databases (ExAC no frequency). This sequence change replaces glutamic acid with glycine at codon 108 of the DES protein (p.Glu108Gly). The glutamic acid residue is highly conserved and there is a moderate physicochemical difference between glutamic acid and glycine.